The following is an entry in ClinVar:

NM_000053.4(ATP7B):c.160dup (p.Ser54fs)

Gene: ATP7B (ATPase copper transporting beta; minus strand). Cytogenetic location: 13q14.3.
Variant type: Duplication.
Coding change: c.160dup on transcript NM_000053.4 (MANE Select); coding-DNA position 160, one base duplicated (T; older notation c.160dupT).
Protein change: p.Ser54fs; shifts the reading frame from serine 54.
Molecular consequence: frameshift variant.
Genome position (GRCh38, 1-based): chr13:51,975,060, A duplicated on the plus strand (T on the coding strand, the reverse complement: ATP7B is on the minus strand); the first of 2 consecutive A bases (chr13:51,975,060-51,975,061); duplicating either gives the same sequence. VCF-style (leftmost placement, unchanged base first): chr13-51975059-G-GA. GRCh37 (hg19) VCF-style: chr13-52549195-G-GA.
Other names: c.160dup, p.Ser54fs (NM_001406532.1, NM_001406534.1, NM_001243182.2 and 30 more transcripts); c.160dupT (NM_000053.4); c.64dup, p.Ser22fs (NM_001406517.1, NM_001406536.1, NM_001406539.1 and 4 more transcripts); short protein forms S22fs, S54fs.
Identifiers: ClinVar variation 4852548 (VCV004852548.1).

ClinVar aggregate classification (germline): Pathogenic (1 of 4 stars; one submission).

Conditions:
Wilson disease (WND). Also called: Wilson's disease. Identifiers: Orphanet 905, MedGen C0019202, MONDO:0010200, OMIM 277900. Disease mechanism: loss of function.

Submission:

Chongqing Key Laboratory of Child Rare Diseases in Infection and Immunity, Children’s Hospital of Chongqing Medical University
Classification: Pathogenic for Wilson disease. Last evaluated: 2024-01-01. Review status: criteria provided, single submitter. Criteria: ACMG Guidelines, 2015. Collection method: clinical testing. Allele origin: germline. Inheritance: Autosomal recessive inheritance. Affected: yes.
Comment: Classified as Pathogenic according to the ACMG/AMP 2015 guidelines (PMID:25741868). The classification was based on the available submitted evidence for Wilson disease (OMIM:277900), including clinical-testing observations, variant consequence/protein annotation, and published or ClinVar evidence where available. Supporting information considered: variant annotation: p.Ser54fs; Frameshift; Protein domain: N-ter (MBD1-6); submitted notation: NM_000053.4:c.160dupT (p.Ser54fs); source variant type: Frameshift; source domain: N-ter (MBD1-6); allele count n=230: 1.